The following is an entry in ClinVar:

NM_001267550.2(TTN):c.5426G>A (p.Gly1809Glu)

Gene: TTN (titin; minus strand). Cytogenetic location: 2q31.2.
Variant type: single nucleotide variant.
Coding change: c.5426G>A on transcript NM_001267550.2 (MANE Select); coding-DNA position 5426, G replaced by A.
Protein change: p.Gly1809Glu; replaces glycine 1809 with glutamic acid.
Molecular consequence: missense variant.
Genome position (GRCh38, 1-based): chr2:178,776,438, C>T on the plus strand (G>A on the coding strand, the complement: TTN is on the minus strand). VCF-style: chr2-178776438-C-T. GRCh37 (hg19) VCF-style: chr2-179641165-C-T.
Other names: p.Gly1809Glu; c.5426G>A, p.Gly1809Glu (NM_001256850.1, NM_133378.4, NM_133379.5); c.5288G>A, p.Gly1763Glu (NM_003319.4, NM_133432.3, NM_133437.4); short protein forms G1763E, G1809E.
Identifiers: ClinVar variation 3379389 (VCV003379389.1).

ClinVar aggregate classification (germline): Uncertain significance (1 of 4 stars; one submission).

Submission:

Mayo Clinic Laboratories, Mayo Clinic
Classification: Uncertain significance. Last evaluated: 2024-07-18. Review status: criteria provided, single submitter. Criteria: ACMG Guidelines, 2015. Collection method: clinical testing. Allele origin: germline. Observed: 1 variant allele.
Comment: PM2